The following is an entry in ClinVar:

NM_006790.3(MYOT):c.1334A>G (p.Asn445Ser)

Genes: PKD2L2-DT (PKD2L2 divergent transcript; minus strand), MYOT (myotilin; plus strand). Cytogenetic location: 5q31.2.
Variant type: single nucleotide variant.
Coding change: c.1334A>G on transcript NM_006790.3 (MANE Select); coding-DNA position 1334, A replaced by G.
Protein change: p.Asn445Ser; replaces asparagine 445 with serine.
Molecular consequence: missense variant.
Genome position (GRCh38, 1-based): chr5:137,887,222, A>G. VCF-style: chr5-137887222-A-G. GRCh37 (hg19) VCF-style: chr5-137222911-A-G.
Other names: c.782A>G, p.Asn261Ser (NM_001135940.2); c.989A>G, p.Asn330Ser (NM_001300911.2); short protein forms N445S, N261S, N330S.
Identifiers: ClinVar variation 4761059 (VCV004761059.1).

ClinVar aggregate classification (germline): Uncertain significance (1 of 4 stars; one submission).

Conditions:
Myofibrillar myopathy 3 (MFM3). Also called: Autosomal dominant spheroid body myopathy; Muscular dystrophy, proximal, type 1A. Identifiers: Orphanet 266, Orphanet 268129, MedGen C3714934, MONDO:0012215, OMIM 609200.

Submission:

Labcorp Genetics (formerly Invitae), Labcorp
Classification: Uncertain significance for Myofibrillar myopathy 3. Last evaluated: 2025-11-15. Review status: criteria provided, single submitter. Criteria: Invitae Variant Classification Sherloc (09022015). Collection method: clinical testing. Allele origin: germline.
Comment: This sequence change replaces asparagine, which is neutral and polar, with serine, which is neutral and polar, at codon 445 of the MYOT protein (p.Asn445Ser). This variant is not present in population databases (gnomAD no frequency). This variant has not been reported in the literature in individuals affected with MYOT-related conditions. Invitae Evidence Modeling of protein sequence and biophysical properties (such as structural, functional, and spatial information, amino acid conservation, physicochemical variation, residue mobility, and thermodynamic stability) indicates that this missense variant is not expected to disrupt MYOT protein function with a negative predictive value of 80%. In summary, the available evidence is currently insufficient to determine the role of this variant in disease. Therefore, it has been classified as a Variant of Uncertain Significance.